The following is an entry in ClinVar:

ClinVar aggregate classification (germline): Conflicting classifications of pathogenicity. Review status: criteria provided, conflicting classifications (1 of 4 stars). 6 submissions from 6 submitters: Uncertain significance (4); Likely benign (1). 1 of the submissions does not count toward it. Last evaluated 2025-12-12.

Conditions:
Hereditary cancer-predisposing syndrome. Also called: Hereditary Cancer Syndrome; Neoplastic Syndromes, Hereditary; Tumor predisposition; Hereditary neoplastic syndrome. Identifiers: Orphanet 140162, MedGen C0027672, MeSH D009386, MONDO:0015356.
ATM-related cancer predisposition. Also called: ATM-related cancer susceptibility. Identifiers: MedGen CN377759, MONDO:0700270.
Ataxia-telangiectasia syndrome (AT). Also called: Cerebello-oculocutaneous telangiectasia; Immunodeficiency with ataxia telangiectasia; Ataxia-telangiectasia, complementation group E; Ataxia-telangiectasia, complementation group D; AT, COMPLEMENTATION GROUP C; ATAXIA-TELANGIECTASIA, COMPLEMENTATION GROUP A. Identifiers: Orphanet 100, MedGen C0004135, MONDO:0008840, OMIM 208900.

Allele frequency attached by ClinVar (database versions not stated): gnomAD exomes below 0.00001 and 0.00001; TOPMed below 0.00001.
gnomAD v4.1: 3 of 1,613,840 alleles (0.00019%); highest among the groups gnomAD compares: Admixed American, 0.0017%; no homozygotes.

Submissions (6):

Dasa
Classification: Uncertain significance for ATM-related cancer predisposition. Last evaluated: 2025-12-12. Review status: criteria provided, single submitter. Criteria: DASA Assertion Criteria. Collection method: clinical testing. Allele origin: germline.
Comment: NM_000051.4(ATM):c.6667A>G (p.Ile2223Val) is a missense variant that results in the substitution of isoleucine with valine. This variant is rare in population databases. Computational prediction algorithms are consistent with a benign effect. The currently available literature and clinical evidence are not sufficient to establish a definitive association between this variant and the reported condition. Therefore, this variant is classified as a variant of uncertain significance.

Ambry Genetics
Classification: Likely benign for Hereditary cancer-predisposing syndrome. Last evaluated: 2025-06-27. Review status: criteria provided, single submitter. Criteria: Ambry Variant Classification Scheme 2023. Collection method: clinical testing. Allele origin: germline.

Labcorp Genetics (formerly Invitae), Labcorp
Classification: Uncertain significance for Ataxia-telangiectasia syndrome. Last evaluated: 2025-01-28. Review status: criteria provided, single submitter. Criteria: Invitae Variant Classification Sherloc (09022015). Collection method: clinical testing. Allele origin: germline.
Comment: This sequence change replaces isoleucine, which is neutral and non-polar, with valine, which is neutral and non-polar, at codon 2223 of the ATM protein (p.Ile2223Val). This variant is present in population databases (no rsID available, gnomAD 0.007%). This missense change has been observed in individual(s) with breast cancer (PMID: 35534704, 35980532). ClinVar contains an entry for this variant (Variation ID: 571123). Invitae Evidence Modeling of protein sequence and biophysical properties (such as structural, functional, and spatial information, amino acid conservation, physicochemical variation, residue mobility, and thermodynamic stability) indicates that this missense variant is not expected to disrupt ATM protein function with a negative predictive value of 95%. In summary, the available evidence is currently insufficient to determine the role of this variant in disease. Therefore, it has been classified as a Variant of Uncertain Significance.

Color Diagnostics, LLC DBA Color Health
Classification: Uncertain significance for Hereditary cancer-predisposing syndrome. Last evaluated: 2023-09-20. Review status: criteria provided, single submitter. Criteria: ACMG Guidelines, 2015. Collection method: clinical testing. Allele origin: germline.
Comment: This missense variant replaces isoleucine with valine at codon 2223 of the ATM protein. Computational prediction suggests that this variant may not impact protein structure and function (internally defined REVEL score threshold <= 0.5, PMID: 27666373). To our knowledge, functional studies have not been reported for this variant. This variant has not been reported in individuals affected with ATM-related disorders in the literature. This variant has been identified in 1/251194 chromosomes in the general population by the Genome Aggregation Database (gnomAD). The available evidence is insufficient to determine the role of this variant in disease conclusively. Therefore, this variant is classified as a Variant of Uncertain Significance.

CeGaT Center for Human Genetics Tuebingen
Classification: Uncertain significance. Last evaluated: 2022-02-01. Review status: criteria provided, single submitter. Criteria: CeGaT Center For Human Genetics Tuebingen Variant Classification Criteria Version 2. Collection method: clinical testing. Allele origin: germline. Affected: yes. Observed: 1 variant allele.

Natera, Inc.
Classification: Uncertain significance for Ataxia-telangiectasia. Last evaluated: 2020-09-16. Review status: no assertion criteria provided. Collection method: clinical testing. Allele origin: germline. Not counted in ClinVar's aggregate classification.

Literature cited by the submitters: PubMed 35534704 (cited by Labcorp Genetics (formerly Invitae), Labcorp); PubMed 35980532 (cited by Labcorp Genetics (formerly Invitae), Labcorp).

NM_000051.4(ATM):c.6667A>G (p.Ile2223Val)

Genes: C11orf65 (chromosome 11 open reading frame 65; minus strand), ATM (ATM serine/threonine kinase; plus strand). Cytogenetic location: 11q22.3.
Variant type: single nucleotide variant.
Coding change: c.6667A>G on transcript NM_000051.4 (MANE Select); coding-DNA position 6667, A replaced by G.
Protein change: p.Ile2223Val; replaces isoleucine 2223 with valine.
Molecular consequence: missense variant. On other transcripts: intron variant (2).
Genome position (GRCh38, 1-based): chr11:108,325,404, A>G. VCF-style: chr11-108325404-A-G. GRCh37 (hg19) VCF-style: chr11-108196131-A-G.
Other names: c.6667A>G, p.Ile2223Val (NM_001351834.2); c.641-16333T>C (NM_001330368.2); c.*38+9816T>C (NM_001351110.2); short protein forms I2223V.
Identifiers: ClinVar variation 571123 (VCV000571123.50), dbSNP rs1028293945, ClinGen allele CA228411958.